The following is an entry in ClinVar:

NM_003114.5(SPAG1):c.2396C>T (p.Pro799Leu)

Gene: SPAG1 (sperm associated antigen 1; plus strand). Cytogenetic location: 8q22.2.
Variant type: single nucleotide variant.
Coding change: c.2396C>T on transcript NM_003114.5 (MANE Select); coding-DNA position 2396, C replaced by T.
Protein change: p.Pro799Leu; replaces proline 799 with leucine.
Molecular consequence: missense variant.
Genome position (GRCh38, 1-based): chr8:100,240,518, C>T. VCF-style: chr8-100240518-C-T. GRCh37 (hg19) VCF-style: chr8-101252746-C-T.
Other names: c.2396C>T, p.Pro799Leu (NM_001374321.1, NM_172218.3); short protein forms P799L.
Identifiers: ClinVar variation 969860 (VCV000969860.10), dbSNP rs767385731, ClinGen allele CA4827744.

ClinVar aggregate classification (germline): Uncertain significance. Review status: criteria provided, multiple submitters, no conflicts (2 of 4 stars). 2 submissions from 2 submitters: Uncertain significance (2). Last evaluated 2024-08-28.

Conditions:
Primary ciliary dyskinesia 28. Also called: CILIARY DYSKINESIA, PRIMARY, 28, WITH OR WITHOUT SITUS INVERSUS. Identifiers: Orphanet 244, MedGen C3809706, MONDO:0014216, OMIM 615505.
Primary ciliary dyskinesia. Also called: Ciliary dyskinesia. Identifiers: Orphanet 244, MedGen C0008780, MONDO:0016575, HP:0012265.

Allele frequency attached by ClinVar (database versions not stated): gnomAD 0.00001; ExAC 0.00004; TOPMed 0.00005.
gnomAD v4.1: 20 of 1,613,992 alleles (0.0012%); highest among the groups gnomAD compares: Admixed American, 0.025%; no homozygotes.

Submissions (2):

Ambry Genetics
Classification: Uncertain significance for Primary ciliary dyskinesia. Last evaluated: 2024-08-28. Review status: criteria provided, single submitter. Criteria: Ambry Variant Classification Scheme 2023. Collection method: clinical testing. Allele origin: germline.
Comment: The p.P799L variant (also known as c.2396C>T), located in coding exon 17 of the SPAG1 gene, results from a C to T substitution at nucleotide position 2396. The proline at codon 799 is replaced by leucine, an amino acid with similar properties. This amino acid position is conserved. In addition, this alteration is predicted to be tolerated by in silico analysis. Since supporting evidence is limited at this time, the clinical significance of this alteration remains unclear.

Labcorp Genetics (formerly Invitae), Labcorp
Classification: Uncertain significance for Primary ciliary dyskinesia 28. Last evaluated: 2022-01-22. Review status: criteria provided, single submitter. Criteria: Invitae Variant Classification Sherloc (09022015). Collection method: clinical testing. Allele origin: germline.
Comment: This sequence change replaces proline, which is neutral and non-polar, with leucine, which is neutral and non-polar, at codon 799 of the SPAG1 protein (p.Pro799Leu). This variant is present in population databases (rs767385731, gnomAD 0.03%). This variant has not been reported in the literature in individuals affected with SPAG1-related conditions. ClinVar contains an entry for this variant (Variation ID: 969860). Algorithms developed to predict the effect of missense changes on protein structure and function output the following: SIFT: "Tolerated"; PolyPhen-2: "Benign"; Align-GVGD: "Class C0". The leucine amino acid residue is found in multiple mammalian species, which suggests that this missense change does not adversely affect protein function. In summary, the available evidence is currently insufficient to determine the role of this variant in disease. Therefore, it has been classified as a Variant of Uncertain Significance.